The following is an entry in ClinVar:

NM_145290.4(ADGRA3):c.530C>T (p.Ala177Val)

Gene: ADGRA3 (adhesion G protein-coupled receptor A3; minus strand). Cytogenetic location: 4p15.2.
Variant type: single nucleotide variant.
Coding change: c.530C>T on transcript NM_145290.4 (MANE Select); coding-DNA position 530, C replaced by T.
Protein change: p.Ala177Val; replaces alanine 177 with valine.
Molecular consequence: missense variant.
Genome position (GRCh38, 1-based): chr4:22,447,455, G>A on the plus strand (C>T on the coding strand, the complement: ADGRA3 is on the minus strand). VCF-style: chr4-22447455-G-A. GRCh37 (hg19) VCF-style: chr4-22449078-G-A.
Other names: c.530C>T (NM_145290.2); short protein forms A177V.
Identifiers: ClinVar variation 1464185 (VCV001464185.7), dbSNP rs759901739, ClinGen allele CA2874234.

ClinVar aggregate classification (germline): Uncertain significance. Review status: criteria provided, multiple submitters, no conflicts (2 of 4 stars). 2 submissions from 2 submitters: Uncertain significance (2). Last evaluated 2024-11-05.

Allele frequency attached by ClinVar (database versions not stated): ExAC 0.00001; gnomAD 0.00003.
gnomAD v4.1: 19 of 1,563,668 alleles (0.0012%); highest among the groups gnomAD compares: Admixed American, 0.0057%; no homozygotes.

Submissions (2):

Labcorp Genetics (formerly Invitae), Labcorp
Classification: Uncertain significance. Last evaluated: 2024-11-05. Review status: criteria provided, single submitter. Criteria: Invitae Variant Classification Sherloc (09022015). Collection method: clinical testing. Allele origin: germline.
Comment: This sequence change replaces alanine, which is neutral and non-polar, with valine, which is neutral and non-polar, at codon 177 of the ADGRA3 protein (p.Ala177Val). This variant is not present in population databases (gnomAD no frequency). This variant has not been reported in the literature in individuals affected with ADGRA3-related conditions. ClinVar contains an entry for this variant (Variation ID: 1464185). An algorithm developed to predict the effect of missense changes on protein structure and function (PolyPhen-2) suggests that this variant is likely to be tolerated. In summary, the available evidence is currently insufficient to determine the role of this variant in disease. Therefore, it has been classified as a Variant of Uncertain Significance.

Ambry Genetics
Classification: Uncertain significance. Last evaluated: 2024-04-23. Review status: criteria provided, single submitter. Criteria: Ambry Variant Classification Scheme 2023. Collection method: clinical testing. Allele origin: germline.